The following is an entry in ClinVar:

NC_000016.9:g.(?_2137854)_(2143097_?)del

Genes: MIR1225 (microRNA 1225; minus strand), PKD1 (polycystin 1, transient receptor potential channel interacting; minus strand), TSC2 (TSC complex subunit 2; plus strand). Cytogenetic location: 16p13.3.
Variant type: Deletion.
Identifiers: ClinVar variation 3243454 (VCV003243454.1).

ClinVar aggregate classification (germline): Pathogenic (1 of 4 stars; one submission).

Conditions:
Tuberous sclerosis 2 (TSC2). Identifiers: Orphanet 805, MedGen C1860707, MONDO:0013199, OMIM 613254.

Submission:

Labcorp Genetics (formerly Invitae), Labcorp
Classification: Pathogenic for Tuberous sclerosis 2. Last evaluated: 2023-10-23. Review status: criteria provided, single submitter. Criteria: Invitae Variant Classification Sherloc (09022015). Collection method: clinical testing. Allele origin: unknown.
Comment: This variant is a gross deletion of the genomic region encompassing exon(s) 39-42 of the TSC2 gene, which includes the termination codon. This deletion extends beyond the assayed region for this gene and therefore may encompass additional genes. While this deletion is not anticipated to lead to nonsense mediated decay, it is expected to alter mRNA translation or result in a truncated protein product. A similar copy number variant has been observed in individual(s) with tuberous sclerosis complex (PMID: 32461669). This variant disrupts a region of the TSC2 protein in which other variant(s) (p.His1746Pro) have been determined to be pathogenic (Invitae). This suggests that this is a clinically significant region of the protein, and that variants that disrupt it are likely to be disease-causing. For these reasons, this variant has been classified as Pathogenic.

Literature cited by the submitters: PubMed 32461669.